The following is an entry in ClinVar:

ClinVar aggregate classification (germline): Uncertain significance (1 of 4 stars; one submission).

Conditions:
Familial Mediterranean fever (FMF). Also called: POLYSEROSITIS, FAMILIAL PAROXYSMAL; POLYSEROSITIS, RECURRENT; Periodic peritonitis; Benign paroxysmal peritonitis. Identifiers: Orphanet 342, MedGen C0031069, MONDO:0018088, OMIM 249100. Disease mechanism: gain of function.

gnomAD v4.1: 2 of 1,613,166 alleles (0.00012%); highest among the groups gnomAD compares: Admixed American, 0.0017%; no homozygotes.

Submission:

Labcorp Genetics (formerly Invitae), Labcorp
Classification: Uncertain significance for Familial Mediterranean fever. Last evaluated: 2024-02-22. Review status: criteria provided, single submitter. Criteria: Invitae Variant Classification Sherloc (09022015). Collection method: clinical testing. Allele origin: germline.
Comment: This sequence change replaces histidine, which is basic and polar, with glutamine, which is neutral and polar, at codon 341 of the MEFV protein (p.His341Gln). This variant is not present in population databases (gnomAD no frequency). This variant has not been reported in the literature in individuals affected with MEFV-related conditions. An algorithm developed to predict the effect of missense changes on protein structure and function (PolyPhen-2) suggests that this variant is likely to be tolerated. In summary, the available evidence is currently insufficient to determine the role of this variant in disease. Therefore, it has been classified as a Variant of Uncertain Significance.

NM_000243.3(MEFV):c.1023C>G (p.His341Gln)

Gene: MEFV (MEFV innate immunity regulator, pyrin; minus strand). Cytogenetic location: 16p13.3.
Variant type: single nucleotide variant.
Coding change: c.1023C>G on transcript NM_000243.3 (MANE Select); coding-DNA position 1023, C replaced by G.
Protein change: p.His341Gln; replaces histidine 341 with glutamine.
Molecular consequence: missense variant.
Genome position (GRCh38, 1-based): chr16:3,249,668, G>C on the plus strand (C>G on the coding strand, the complement: MEFV is on the minus strand). VCF-style: chr16-3249668-G-C. GRCh37 (hg19) VCF-style: chr16-3299668-G-C.
Other names: c.390C>G, p.His130Gln (NM_001198536.2); short protein forms H341Q, H130Q.
Identifiers: ClinVar variation 3711728 (VCV003711728.2).